The following is an entry in ClinVar:

NM_199242.3(UNC13D):c.153+67C>T

Gene: UNC13D (unc-13 homolog D; minus strand). Cytogenetic location: 17q25.1.
Variant type: single nucleotide variant.
Coding change: c.153+67C>T on transcript NM_199242.3 (MANE Select); 67 bases into the intron after coding-DNA position 153, C replaced by T.
Molecular consequence: intron variant.
Genome position (GRCh38, 1-based): chr17:75,843,417, G>A on the plus strand (C>T on the coding strand, the complement: UNC13D is on the minus strand). VCF-style: chr17-75843417-G-A. GRCh37 (hg19) VCF-style: chr17-73839498-G-A.
Identifiers: ClinVar variation 2628214 (VCV002628214.2), dbSNP rs9903200, ClinGen allele CA14387409.

ClinVar aggregate classification (germline): Benign (1 of 4 stars; one submission).

Allele frequency attached by ClinVar (database versions not stated): 1000 Genomes Project 0.38139; 1000 Genomes Project 30x 0.39225; TOPMed 0.42019; ESP Exome Variant Server 0.43846.
gnomAD v4.1: 488,171 of 1,577,648 alleles (31%); highest among the groups gnomAD compares: African/African-American, 72%; 83,306 homozygotes.

Submission:

Unidad de Genómica Garrahan, Hospital de Pediatría Garrahan
Classification: Benign. Last evaluated: 2023-11-12. Review status: criteria provided, single submitter. Criteria: ACMG Guidelines, 2015. Collection method: clinical testing. Allele origin: germline. Affected: no. Observed: 37 variant alleles.
Comment: This variant is classified as Benign based on local population frequency. This variant was detected in 39% of patients studied by a panel of primary immunodeficiencies. Number of patients: 37. Only high quality variants are reported.